The following is an entry in ClinVar:

ClinVar aggregate classification (germline): Uncertain significance. Review status: criteria provided, single submitter (1 of 4 stars). 2 submissions from 2 submitters: Uncertain significance (1). 1 of the submissions does not count toward it. Last evaluated 2024-11-11.

Conditions:
X-linked severe combined immunodeficiency (SCIDX1). Also called: IMMUNODEFICIENCY 4; X-Linked Combined Immunodeficiency Diseases; SCID, X-LINKED; SEVERE COMBINED IMMUNODEFICIENCY, X-LINKED, T CELL-NEGATIVE, B CELL-POSITIVE, NK CELL-NEGATIVE; T-B+ severe combined immunodeficiency due to gamma chain deficiency. Identifiers: Orphanet 276, MedGen C6022468, MONDO:0010315, OMIM 300400. Disease mechanism: loss of function.

Submissions (2):

Labcorp Genetics (formerly Invitae), Labcorp
Classification: Uncertain significance for X-linked severe combined immunodeficiency. Last evaluated: 2024-11-11. Review status: criteria provided, single submitter. Criteria: Invitae Variant Classification Sherloc (09022015). Collection method: clinical testing. Allele origin: germline.
Comment: This sequence change replaces leucine, which is neutral and non-polar, with proline, which is neutral and non-polar, at codon 151 of the IL2RG protein (p.Leu151Pro). This variant is not present in population databases (gnomAD no frequency). This missense change has been observed in individual(s) with IL2RG-related conditions (PMID: 18728247). This variant is also known as T466C. ClinVar contains an entry for this variant (Variation ID: 10028). Invitae Evidence Modeling of protein sequence and biophysical properties (such as structural, functional, and spatial information, amino acid conservation, physicochemical variation, residue mobility, and thermodynamic stability) indicates that this missense variant is expected to disrupt IL2RG protein function with a positive predictive value of 95%. In summary, the available evidence is currently insufficient to determine the role of this variant in disease. Therefore, it has been classified as a Variant of Uncertain Significance.

OMIM
Classification: Pathogenic for SEVERE COMBINED IMMUNODEFICIENCY, X-LINKED. Last evaluated: 2008-11-15. Review status: no assertion criteria provided. Collection method: literature only. Allele origin: germline. Not counted in ClinVar's aggregate classification.

Literature cited by the submitters: PubMed 18728247 (cited by Labcorp Genetics (formerly Invitae), Labcorp and OMIM); PubMed 8900089 (cited by OMIM).

NM_000206.3(IL2RG):c.452T>C (p.Leu151Pro)

Gene: IL2RG (interleukin 2 receptor subunit gamma; minus strand). Cytogenetic location: Xq13.1.
Variant type: single nucleotide variant.
Coding change: c.452T>C on transcript NM_000206.3 (MANE Select); coding-DNA position 452, T replaced by C.
Protein change: p.Leu151Pro; replaces leucine 151 with proline.
Molecular consequence: missense variant.
Genome position (GRCh38, 1-based): chrX:71,110,506, A>G on the plus strand (T>C on the coding strand, the complement: IL2RG is on the minus strand). VCF-style: chrX-71110506-A-G. GRCh37 (hg19) VCF-style: chrX-70330356-A-G.
Other names: short protein forms L151P.
Identifiers: ClinVar variation 10028 (VCV000010028.5), dbSNP rs137852511, ClinGen allele CA254994.